The following is an entry in ClinVar:

NM_001278669.2(NFATC1):c.2092+20C>T

Gene: NFATC1 (nuclear factor of activated T cells 1; plus strand). Cytogenetic location: 18q23.
Variant type: single nucleotide variant.
Coding change: c.2092+20C>T on transcript NM_001278669.2 (MANE Select); 20 bases into the intron after coding-DNA position 2092, C replaced by T.
Molecular consequence: intron variant. On other transcripts: synonymous variant (2).
Genome position (GRCh38, 1-based): chr18:79,467,602, C>T. VCF-style: chr18-79467602-C-T. GRCh37 (hg19) VCF-style: chr18-77227602-C-T.
Other names: c.2073C>T, p.Thr691= (NM_001278675.2); c.2112C>T, p.Thr704= (NM_172390.3); c.2092+20C>T (NM_006162.5, NM_001278670.2); c.676+20C>T (NM_172388.3, NM_001278673.2); c.2053+20C>T (NM_172387.3, NM_172389.3, NM_001278672.2); c.2073C>T (NM_001278675.1).
Identifiers: ClinVar variation 2648829 (VCV002648829.25), dbSNP rs200714514, ClinGen allele CA9009488.

ClinVar aggregate classification (germline): Likely benign. Review status: criteria provided, single submitter (1 of 4 stars). 2 submissions from 2 submitters: Likely benign (1). 1 of the submissions does not count toward it. Last evaluated 2023-01-01.

Conditions:
NFATC1-related disorder. Also called: NFATC1-related condition.

Allele frequency attached by ClinVar (database versions not stated): gnomAD 0.00004; TOPMed 0.00007; ESP Exome Variant Server 0.00008; 1000 Genomes Project 30x 0.00016; 1000 Genomes Project 0.00020.
gnomAD v4.1: 101 of 1,613,484 alleles (0.0063%); highest among the groups gnomAD compares: Middle Eastern, 0.12%; no homozygotes.

Submissions (2):

CeGaT Center for Human Genetics Tuebingen
Classification: Likely benign. Last evaluated: 2023-01-01. Review status: criteria provided, single submitter. Criteria: CeGaT Center For Human Genetics Tuebingen Variant Classification Criteria Version 2. Collection method: clinical testing. Allele origin: germline. Affected: yes. Observed: 1 variant allele.
Comment: NFATC1: BP4, BP7

PreventionGenetics, part of Exact Sciences
Classification: Likely benign for NFATC1-related condition. Last evaluated: 2019-06-26. Review status: no assertion criteria provided. Collection method: clinical testing. Allele origin: germline. Not counted in ClinVar's aggregate classification.
Comment: This variant is classified as likely benign based on ACMG/AMP sequence variant interpretation guidelines (Richards et al. 2015 PMID: 25741868, with internal and published modifications).